The following is an entry in ClinVar:

ClinVar aggregate classification (germline): Uncertain significance. Review status: criteria provided, multiple submitters, no conflicts (2 of 4 stars). 2 submissions from 2 submitters: Uncertain significance (2). Last evaluated 2025-08-14.

Conditions:
Singleton-Merten syndrome 1 (SGMRT1). Also called: Widened medullary cavities of bone, aortic calcification, abnormal dentition, and muscular weakness; Syndrome of widened medullary cavities of the metacarpals and phalanges, aortic calcification and abnormal dentition. Identifiers: Orphanet 85191, MedGen C4225427, MONDO:0024535, OMIM 182250.
Aicardi-Goutieres syndrome 7 (AGS7). Identifiers: Orphanet 51, MedGen C3888244, MONDO:0014367, OMIM 615846.

Submissions (2):

GeneDx
Classification: Uncertain significance. Last evaluated: 2025-08-14. Review status: criteria provided, single submitter. Criteria: GeneDx Variant Classification Process June 2021. Collection method: clinical testing. Allele origin: germline.
Comment: Not observed at significant frequency in large population cohorts (gnomAD); In silico analysis supports that this missense variant does not alter protein structure/function; Has not been previously published as pathogenic or benign to our knowledge

Labcorp Genetics (formerly Invitae), Labcorp
Classification: Uncertain significance for Aicardi-Goutieres syndrome 7; Singleton-Merten syndrome 1. Last evaluated: 2022-03-08. Review status: criteria provided, single submitter. Criteria: Invitae Variant Classification Sherloc (09022015). Collection method: clinical testing. Allele origin: germline.
Comment: This sequence change replaces histidine, which is basic and polar, with glutamine, which is neutral and polar, at codon 72 of the IFIH1 protein (p.His72Gln). In summary, the available evidence is currently insufficient to determine the role of this variant in disease. Therefore, it has been classified as a Variant of Uncertain Significance. Algorithms developed to predict the effect of missense changes on protein structure and function output the following: SIFT: "Tolerated"; PolyPhen-2: "Benign"; Align-GVGD: "Class C0". The glutamine amino acid residue is found in multiple mammalian species, which suggests that this missense change does not adversely affect protein function. This variant has not been reported in the literature in individuals affected with IFIH1-related conditions. This variant is not present in population databases (gnomAD no frequency).

NM_022168.4(IFIH1):c.216C>G (p.His72Gln)

Gene: IFIH1 (interferon induced with helicase C domain 1; minus strand). Cytogenetic location: 2q24.2.
Variant type: single nucleotide variant.
Coding change: c.216C>G on transcript NM_022168.4 (MANE Select); coding-DNA position 216, C replaced by G.
Protein change: p.His72Gln; replaces histidine 72 with glutamine.
Molecular consequence: missense variant.
Genome position (GRCh38, 1-based): chr2:162,318,092, G>C on the plus strand (C>G on the coding strand, the complement: IFIH1 is on the minus strand). VCF-style: chr2-162318092-G-C. GRCh37 (hg19) VCF-style: chr2-163174602-G-C.
Other names: c.216C>G (NM_022168.3); short protein forms H72Q.
Identifiers: ClinVar variation 1501611 (VCV001501611.10), dbSNP rs774025268, ClinGen allele CA59694300.
Genomic context (GRCh38, chr2:162,318,092, plus strand): 5'-GGCGGCCAGAGGGCTGCCGGTTCTCCGGAGGGCCTCCACGAATTCCCGAGTCCAACCAAG[G>C]TGCCAGACTCCCTTCTCCAAGGTGCTCAGCAGCAGTTCAACTGCCTGCATGTTCCCGGAG-3'
Protein context (NP_071451.2, residues 62-82): LLSTLEKGVW[His72Gln]LGWTREFVEA